The following is an entry in ClinVar:

NM_001354930.2(RIPK1):c.1723A>G (p.Ile575Val)

Gene: RIPK1 (receptor interacting serine/threonine kinase 1; plus strand). Cytogenetic location: 6p25.2.
Variant type: single nucleotide variant.
Coding change: c.1723A>G on transcript NM_001354930.2 (MANE Select); coding-DNA position 1723, A replaced by G.
Protein change: p.Ile575Val; replaces isoleucine 575 with valine.
Molecular consequence: missense variant.
Genome position (GRCh38, 1-based): chr6:3,110,949, A>G. VCF-style: chr6-3110949-A-G. GRCh37 (hg19) VCF-style: chr6-3111183-A-G.
Other names: c.1234A>G, p.Ile412Val (NM_001317061.3, NM_001354932.2, NM_001354933.2 and 1 more transcripts); c.1585A>G, p.Ile529Val (NM_001354931.2); c.1723A>G, p.Ile575Val (NM_003804.6); short protein forms I529V, I412V, I575V.
Identifiers: ClinVar variation 3718778 (VCV003718778.2).
Genomic context (GRCh38, chr6:3,110,949, plus strand): 5'-TCACTACTAGACAGCACAAATACGAACTTCAAAGAAGAGCCAGCTGCTAAGTACCAAGCT[A>G]TCTTTGGTAAGATACCCTGGAAGGACTCAACGCCTAGCAACCTTGAACTTTCTTACTTGT-3'
Protein context (NP_001341859.1, residues 565-585): KEEPAAKYQA[Ile575Val]FDNTTSLTDK

ClinVar aggregate classification (germline): Uncertain significance (1 of 4 stars; one submission).

gnomAD v4.1: 29 of 1,610,076 alleles (0.0018%); highest among the groups gnomAD compares: Non-Finnish European, 0.0023%; no homozygotes.

Submission:

Labcorp Genetics (formerly Invitae), Labcorp
Classification: Uncertain significance. Last evaluated: 2024-03-05. Review status: criteria provided, single submitter. Criteria: Invitae Variant Classification Sherloc (09022015). Collection method: clinical testing. Allele origin: germline.
Comment: This sequence change replaces isoleucine, which is neutral and non-polar, with valine, which is neutral and non-polar, at codon 575 of the RIPK1 protein (p.Ile575Val). This variant is present in population databases (rs200611747, gnomAD 0.002%). This variant has not been reported in the literature in individuals affected with RIPK1-related conditions. An algorithm developed to predict the effect of missense changes on protein structure and function (PolyPhen-2) suggests that this variant is likely to be tolerated. In summary, the available evidence is currently insufficient to determine the role of this variant in disease. Therefore, it has been classified as a Variant of Uncertain Significance.